The following is an entry in ClinVar:

ClinVar aggregate classification (germline): Uncertain significance. Review status: criteria provided, multiple submitters, no conflicts (2 of 4 stars). 4 submissions from 4 submitters: Uncertain significance (4). Last evaluated 2025-06-20.

Conditions:
Arrhythmogenic right ventricular cardiomyopathy (ARVD). Also called: Arrhythmogenic cardiomyopathy; Arrhythmogenic Right Ventricular Cardiomyopathy (ARVC); Cardiomyopathy, ARVC; Arrhythmogenic right ventricular dysplasia. Identifiers: Orphanet 247, MedGen C0349788, MeSH D019571, MONDO:0016587. Disease mechanism: loss of function. Inheritance: Various modes of inheritance.
Cardiomyopathy (CMYO). Also called: Cardiomyopathies. Identifiers: Orphanet 167848, MedGen C0878544, MONDO:0004994, HP:0001638. Inheritance: Various modes of inheritance.
Arrhythmogenic right ventricular dysplasia 10. Also called: Arrhythmogenic right ventricular dysplasia/cardiomyopathy, type 10; Arrhythmogenic Right Ventricular Dysplasia/Cardiomyopathy10; ARRHYTHMOGENIC RIGHT VENTRICULAR DYSPLASIA, FAMILIAL, 10. Identifiers: MedGen C1857777, MONDO:0012434, OMIM 610193.

Allele frequency attached by ClinVar (database versions not stated): gnomAD 0.00001; gnomAD exomes 0.00001 and 0.00002; TOPMed 0.00001; ExAC 0.00002.
gnomAD v4.1: 21 of 1,613,106 alleles (0.0013%); highest among the groups gnomAD compares: South Asian, 0.0066%; no homozygotes.

Submissions (4):

Labcorp Genetics (formerly Invitae), Labcorp
Classification: Uncertain significance for Arrhythmogenic right ventricular dysplasia 10. Last evaluated: 2025-06-20. Review status: criteria provided, single submitter. Criteria: Invitae Variant Classification Sherloc (09022015). Collection method: clinical testing. Allele origin: germline.
Comment: This sequence change replaces proline, which is neutral and non-polar, with leucine, which is neutral and non-polar, at codon 157 of the DSG2 protein (p.Pro157Leu). This variant is present in population databases (rs587782938, gnomAD 0.003%). This missense change has been observed in individual(s) with clinical features of arrhythmogenic right ventricular cardiomyopathy (PMID: 34400560). ClinVar contains an entry for this variant (Variation ID: 155784). Invitae Evidence Modeling of protein sequence and biophysical properties (such as structural, functional, and spatial information, amino acid conservation, physicochemical variation, residue mobility, and thermodynamic stability) has been performed for this missense variant. However, the output from this modeling did not meet the statistical confidence thresholds required to predict the impact of this variant on DSG2 protein function. In summary, the available evidence is currently insufficient to determine the role of this variant in disease. Therefore, it has been classified as a Variant of Uncertain Significance.

All of Us Research Program, National Institutes of Health
Classification: Uncertain significance for Arrhythmogenic right ventricular cardiomyopathy. Last evaluated: 2024-06-09. Review status: criteria provided, single submitter. Criteria: ACMG Guidelines, 2015. Collection method: clinical testing. Allele origin: germline. Inheritance: Autosomal dominant inheritance. Observed: 3 variant alleles, 3 heterozygotes.
Comment: This missense variant replaces proline with leucine at codon 157 of the DSG2 protein. Computational prediction suggests that this variant may have deleterious impact on protein structure and function (internally defined REVEL score threshold >= 0.7, PMID: 27666373). To our knowledge, functional studies have not been reported for this variant. This variant has not been reported in individuals affected with DSG2-related disorders in the literature. This variant has been identified in 5/249312 chromosomes in the general population by the Genome Aggregation Database (gnomAD). The available evidence is insufficient to determine the role of this variant in disease conclusively. Therefore, this variant is classified as a Variant of Uncertain Significance.

This study involves interpretation of variants in research participants for the purpose of population health screening. Participant phenotype was not available at the time of variant classification. Additional details can be found in publication PMID: 35346344, PMCID: PMC8962531

Color Diagnostics, LLC DBA Color Health
Classification: Uncertain significance for Cardiomyopathy. Last evaluated: 2024-05-23. Review status: criteria provided, single submitter. Criteria: ACMG Guidelines, 2015. Collection method: clinical testing. Allele origin: germline.
Comment: This missense variant replaces proline with leucine at codon 157 of the DSG2 protein. Computational prediction suggests that this variant may have deleterious impact on protein structure and function. To our knowledge, functional studies have not been reported for this variant. This variant has not been reported in individuals affected with DSG2-related disorders in the literature. This variant has been identified in 5/249312 chromosomes in the general population by the Genome Aggregation Database (gnomAD). The available evidence is insufficient to determine the role of this variant in disease conclusively. Therefore, this variant is classified as a Variant of Uncertain Significance.

GeneDx
Classification: Uncertain significance. Last evaluated: 2022-05-27. Review status: criteria provided, single submitter. Criteria: GeneDx Variant Classification Process June 2021. Collection method: clinical testing. Allele origin: germline. Affected: yes.
Comment: Reported as "likely to have pathogenic effects" in a review paper of desmosomal proteins which did not provide additional information (Al-Jassar et al., 2013); however, it has not been reported in association with DSG2-related disorders; Not observed at significant frequency in large population cohorts (gnomAD); In silico analysis supports that this missense variant has a deleterious effect on protein structure/function; This variant is associated with the following publications: (PMID: 31402444, 23911551)

Literature cited by the submitters: PubMed 34400560 (cited by Labcorp Genetics (formerly Invitae), Labcorp).

NM_001943.5(DSG2):c.470C>T (p.Pro157Leu)

Gene: DSG2 (desmoglein 2; plus strand). Cytogenetic location: 18q12.1.
Variant type: single nucleotide variant.
Coding change: c.470C>T on transcript NM_001943.5 (MANE Select); coding-DNA position 470, C replaced by T.
Protein change: p.Pro157Leu; replaces proline 157 with leucine.
Molecular consequence: missense variant.
Genome position (GRCh38, 1-based): chr18:31,521,190, C>T. VCF-style: chr18-31521190-C-T. GRCh37 (hg19) VCF-style: chr18-29101153-C-T.
Other names: c.470C>T (LRG_397t1); short protein forms P157L.
Identifiers: ClinVar variation 155784 (VCV000155784.19), dbSNP rs587782938, ClinGen allele CA022118.